The following is an entry in ClinVar:

NM_003846.3(PEX11B):c.503G>A (p.Ser168Asn)

Gene: PEX11B (peroxisomal biogenesis factor 11 beta; minus strand). Cytogenetic location: 1q21.1.
Variant type: single nucleotide variant.
Coding change: c.503G>A on transcript NM_003846.3 (MANE Select); coding-DNA position 503, G replaced by A.
Protein change: p.Ser168Asn; replaces serine 168 with asparagine.
Molecular consequence: missense variant. On other transcripts: non-coding transcript variant (3).
Genome position (GRCh38, 1-based): chr1:145,912,438, C>T on the plus strand (G>A on the coding strand, the complement: PEX11B is on the minus strand). VCF-style: chr1-145912438-C-T. GRCh37 (hg19) VCF-style: chr1-145522642-G-A.
Other names: c.461G>A, p.Ser154Asn (NM_001184795.1); short protein forms S168N, S154N.
Identifiers: ClinVar variation 2312717 (VCV002312717.3), dbSNP rs1204141616, ClinGen allele CA342121269.

ClinVar aggregate classification (germline): Uncertain significance. Review status: criteria provided, single submitter (1 of 4 stars). 2 submissions from 2 submitters: Uncertain significance (1). 1 of the submissions does not count toward it. Last evaluated 2022-09-22.

Conditions:
PEX11B-related disorder. Also called: PEX11B-related condition.
Inborn genetic diseases. Identifiers: MedGen C0950123, MeSH D030342.

Allele frequency attached by ClinVar (database versions not stated): gnomAD exomes below 0.00001; TOPMed below 0.00001; gnomAD 0.00001.

Submissions (2):

Ambry Genetics
Classification: Uncertain significance for Inborn genetic diseases. Last evaluated: 2022-09-22. Review status: criteria provided, single submitter. Criteria: Ambry Variant Classification Scheme 2023. Collection method: clinical testing. Allele origin: germline.

PreventionGenetics, part of Exact Sciences
Classification: Uncertain significance for PEX11B-related condition. Last evaluated: 2024-08-22. Review status: no assertion criteria provided. Collection method: clinical testing. Allele origin: germline. Not counted in ClinVar's aggregate classification.
Comment: The PEX11B c.503G>A variant is predicted to result in the amino acid substitution p.Ser168Asn. To our knowledge, this variant has not been reported in the literature. This variant is reported in 0.0010% of alleles in individuals of European (Non-Finnish) descent in gnomAD. At this time, the clinical significance of this variant is uncertain due to the absence of conclusive functional and genetic evidence.